The following is an entry in ClinVar:

NM_024675.4(PALB2):c.557del (p.Asn186fs)

Gene: PALB2 (partner and localizer of BRCA2; minus strand). Cytogenetic location: 16p12.2.
Variant type: Deletion.
Coding change: c.557del on transcript NM_024675.4 (MANE Select); coding-DNA position 557, one base deleted (A; older notation c.557delA).
Protein change: p.Asn186fs; shifts the reading frame from asparagine 186.
Molecular consequence: frameshift variant. On other transcripts: 5 prime UTR variant (8), intron variant (3).
Genome position (GRCh38, 1-based): chr16:23,635,989, T deleted on the plus strand (A on the coding strand, the reverse complement: PALB2 is on the minus strand); the first of 5 consecutive T bases (chr16:23,635,989-23,635,993); deleting any one gives the same sequence. VCF-style (leftmost placement, unchanged base first): chr16-23635988-AT-A. GRCh37 (hg19) VCF-style: chr16-23647309-AT-A.
Other names: c.497del, p.Asn166fs (NM_001407296.1); c.557del, p.Asn186fs (NM_001407297.1, NM_001407298.1, NM_001407299.1 and 3 more transcripts); c.-329del (NM_001407304.1, NM_001407305.1, NM_001407306.1 and 5 more transcripts); c.48+5121del (NM_001407314.1); c.-105+5121del (NM_001407313.1, NM_001407312.1); c.557delA (NM_024675.3); short protein forms N166fs, N186fs.
Identifiers: ClinVar variation 3885179 (VCV003885179.1).

ClinVar aggregate classification (germline): Pathogenic (1 of 4 stars; one submission).

Conditions:
Hereditary cancer-predisposing syndrome. Also called: Tumor predisposition; Neoplastic Syndromes, Hereditary; Hereditary Cancer Syndrome; Hereditary neoplastic syndrome. Identifiers: Orphanet 140162, MedGen C0027672, MeSH D009386, MONDO:0015356.

Submission:

Ambry Genetics
Classification: Pathogenic for Hereditary cancer-predisposing syndrome. Last evaluated: 2025-03-11. Review status: criteria provided, single submitter. Criteria: Ambry Variant Classification Scheme 2023. Collection method: clinical testing. Allele origin: germline.
Comment: The c.557delA pathogenic mutation, located in coding exon 4 of the PALB2 gene, results from a deletion of one nucleotide at nucleotide position 557, causing a translational frameshift with a predicted alternate stop codon (p.N186Ifs*7). This variant is considered to be rare based on population cohorts in the Genome Aggregation Database (gnomAD). This alteration is expected to result in loss of function by premature protein truncation or nonsense-mediated mRNA decay. As such, this alteration is interpreted as a disease-causing mutation.